The following is an entry in ClinVar:

ClinVar aggregate classification (germline): Uncertain significance. Review status: criteria provided, multiple submitters, no conflicts (2 of 4 stars). 2 submissions from 2 submitters: Uncertain significance (2). Last evaluated 2025-06-03.

Conditions:
Fanconi anemia complementation group P. Also called: SLX4-Related Fanconi Anemia. Identifiers: Orphanet 84, MedGen C3469542, MONDO:0013499, OMIM 613951.
Fanconi anemia (FA). Also called: Fanconi's anemia. Identifiers: Orphanet 84, MedGen C0015625, MeSH D005199, MONDO:0019391.

Allele frequency attached by ClinVar (database versions not stated): gnomAD 0.00002 and 0.00003; TOPMed 0.00002; gnomAD exomes 0.00006 and 0.00009; ExAC 0.00009.

Submissions (2):

Labcorp Genetics (formerly Invitae), Labcorp
Classification: Uncertain significance for Fanconi anemia. Last evaluated: 2025-06-03. Review status: criteria provided, single submitter. Criteria: Invitae Variant Classification Sherloc (09022015). Collection method: clinical testing. Allele origin: germline.
Comment: This sequence change replaces alanine, which is neutral and non-polar, with valine, which is neutral and non-polar, at codon 251 of the SLX4 protein (p.Ala251Val). This variant is present in population databases (rs201117707, gnomAD 0.04%). This variant has not been reported in the literature in individuals affected with SLX4-related conditions. ClinVar contains an entry for this variant (Variation ID: 319183). An algorithm developed to predict the effect of missense changes on protein structure and function outputs the following: PolyPhen-2: "Benign". The valine amino acid residue is found in multiple mammalian species, which suggests that this missense change does not adversely affect protein function. Algorithms developed to predict the effect of sequence changes on RNA splicing suggest that this variant may create or strengthen a splice site. In summary, the available evidence is currently insufficient to determine the role of this variant in disease. Therefore, it has been classified as a Variant of Uncertain Significance.

Illumina Laboratory Services, Illumina
Classification: Uncertain significance for Fanconi anemia complementation group P. Last evaluated: 2018-01-13. Review status: criteria provided, single submitter. Criteria: ICSL Variant Classification Criteria 13 December 2019. Collection method: clinical testing. Allele origin: germline.

NM_032444.4(SLX4):c.752C>T (p.Ala251Val)

Gene: SLX4 (SLX4 structure-specific endonuclease subunit; minus strand). Cytogenetic location: 16p13.3.
Variant type: single nucleotide variant.
Coding change: c.752C>T on transcript NM_032444.4 (MANE Select); coding-DNA position 752, C replaced by T.
Protein change: p.Ala251Val; replaces alanine 251 with valine.
Molecular consequence: missense variant.
Genome position (GRCh38, 1-based): chr16:3,606,482, G>A on the plus strand (C>T on the coding strand, the complement: SLX4 is on the minus strand). VCF-style: chr16-3606482-G-A. GRCh37 (hg19) VCF-style: chr16-3656483-G-A.
Other names: c.752C>T (LRG_503t1); short protein forms A251V.
Identifiers: ClinVar variation 319183 (VCV000319183.13), dbSNP rs201117707, ClinGen allele CA7866771.